The following is an entry in ClinVar:

ClinVar aggregate classification (germline): Likely pathogenic (1 of 4 stars; one submission).

Conditions:
Hereditary cancer-predisposing syndrome. Also called: Neoplastic Syndromes, Hereditary; Tumor predisposition; Hereditary Cancer Syndrome; Hereditary neoplastic syndrome. Identifiers: Orphanet 140162, MedGen C0027672, MeSH D009386, MONDO:0015356.
Cardiovascular phenotype. Identifiers: MedGen CN230736.

Submission:

Ambry Genetics
Classification: Likely pathogenic for Cardiovascular phenotype; Hereditary cancer-predisposing syndrome. Last evaluated: 2022-11-09. Review status: criteria provided, single submitter. Criteria: Ambry Variant Classification Scheme 2023. Collection method: clinical testing. Allele origin: germline.
Comment: The c.2251+3A>C intronic variant results from an A to C substitution 3 nucleotides after coding exon 18 in the NF1 gene. This nucleotide position is well conserved in available vertebrate species. In silico splice site analysis predicts that this alteration may weaken the native splice donor site. RNA studies have demonstrated that this alteration results in abnormal splicing in the set of samples tested (Ambry internal data). Based on the majority of available evidence to date, this variant is likely to be pathogenic.

NM_001042492.3(NF1):c.2251+3A>C

Gene: NF1 (neurofibromin 1; plus strand). Cytogenetic location: 17q11.2.
Variant type: single nucleotide variant.
Coding change: c.2251+3A>C on transcript NM_001042492.3 (MANE Select); 3 bases into the intron after coding-DNA position 2251, A replaced by C.
Molecular consequence: intron variant.
Genome position (GRCh38, 1-based): chr17:31,226,687, A>C. VCF-style: chr17-31226687-A-C. GRCh37 (hg19) VCF-style: chr17-29553705-A-C.
Other names: c.2251+3A>C (NM_000267.4).
Identifiers: ClinVar variation 1788428 (VCV001788428.3), dbSNP rs2067021249, ClinGen allele CA2580093180.